The following is an entry in ClinVar:

NM_002049.4(GATA1):c.182_195del (p.Ala61fs)

Gene: GATA1 (GATA binding protein 1; plus strand). Cytogenetic location: Xp11.23.
Variant type: Deletion.
Coding change: c.182_195del on transcript NM_002049.4 (MANE Select); coding-DNA positions 182 to 195, 14 bases deleted (CCTACTACAGGGAC).
Protein change: p.Ala61fs; shifts the reading frame from alanine 61.
Molecular consequence: frameshift variant.
Genome position (GRCh38, 1-based): chrX:48,791,291-48,791,304, CCTACTACAGGGAC deleted. VCF-style (leftmost placement, unchanged base first): chrX-48791290-GCCTACTACAGGGAC-G. GRCh37 (hg19) VCF-style: chrX-48649697-GCCTACTACAGGGAC-G.
Other names: short protein forms A61fs.
Identifiers: ClinVar variation 3755693 (VCV003755693.2).

ClinVar aggregate classification (germline): Pathogenic (1 of 4 stars; one submission).

Conditions:
GATA binding protein 1 related thrombocytopenia with dyserythropoiesis. Also called: GATA1-Related X-Linked Cytopenia; GATA1-Related Cytopenia. Identifiers: MedGen C1845837, MONDO:0100089.
Diamond-Blackfan anemia. Also called: Blackfan Diamond syndrome; Aregenerative anemia chronic congenital; Red cell aplasia, pure hereditary; Congenital hypoplastic anemia; Aase syndrome. Identifiers: Orphanet 124, MedGen C1260899, MeSH D029503, MONDO:0015253, HP:0004810.

Submission:

Labcorp Genetics (formerly Invitae), Labcorp
Classification: Pathogenic for GATA binding protein 1 related thrombocytopenia with dyserythropoiesis; Diamond-Blackfan anemia. Last evaluated: 2024-04-04. Review status: criteria provided, single submitter. Criteria: Invitae Variant Classification Sherloc (09022015). Collection method: clinical testing. Allele origin: germline.
Comment: This sequence change creates a premature translational stop signal (p.Ala61Glyfs*2) in the GATA1 gene. It is expected to result in an absent or disrupted protein product. Loss-of-function variants in GATA1 are known to be pathogenic (PMID: 16783379, 22706301, 23704091, 24453067). This variant is not present in population databases (gnomAD no frequency). This variant has not been reported in the literature in individuals affected with GATA1-related conditions. For these reasons, this variant has been classified as Pathogenic.

Literature cited by the submitters: PubMed 16783379; PubMed 22706301; PubMed 23704091; PubMed 24453067.